The following is an entry in ClinVar:

ClinVar aggregate classification (germline): Likely benign (1 of 4 stars; one submission).

Submission:

CeGaT Center for Human Genetics Tuebingen
Classification: Likely benign. Last evaluated: 2022-12-01. Review status: criteria provided, single submitter. Criteria: CeGaT Center For Human Genetics Tuebingen Variant Classification Criteria Version 2. Collection method: clinical testing. Allele origin: germline. Affected: yes. Observed: 2 variant alleles.
Comment: FOCAD: BP4, BS2

NM_001375567.1(FOCAD):c.4729-5_4729-4insTTTTTTTTTTTTTTTTTTTTTTTTTTTTTTTTTTTTTTTT

Gene: FOCAD (focadhesin; plus strand). Cytogenetic location: 9p21.3.
Variant type: Insertion.
Coding change: c.4729-5_4729-4insTTTTTTTTTTTTTTTTTTTTTTTTTTTTTTTTTTTTTTTT on transcript NM_001375567.1 (MANE Select); 5 bases into the intron before coding-DNA position 4729 through 4 bases into the intron before coding-DNA position 4729, TTTTTTTTTTTTTTTTTTTTTTTTTTTTTTTTTTTTTTTT inserted.
Molecular consequence: intron variant.
Genome position: GRCh38: chr9:20,986,283-20,986,284. GRCh37 (hg19): chr9:20,986,282-20,986,283.
Other names: c.4729-5_4729-4insTTTTTTTTTTTTTTTTTTTTTTTTTTTTTTTTTTTTTTTT (NM_017794.5); c.4624-5_4624-4insTTTTTTTTTTTTTTTTTTTTTTTTTTTTTTTTTTTTTTTT (NM_001375568.1, NM_001375570.1).
Identifiers: ClinVar variation 2659123 (VCV002659123.24), dbSNP rs545976303, ClinGen allele CA1122104640.